The following is an entry in ClinVar:

NM_014727.3(KMT2B):c.5730del (p.Arg1911fs)

Gene: KMT2B (lysine methyltransferase 2B; plus strand). Cytogenetic location: 19q13.12.
Variant type: Deletion.
Coding change: c.5730del on transcript NM_014727.3 (MANE Select); coding-DNA position 5730, one base deleted (C; older notation c.5730delC).
Protein change: p.Arg1911fs; shifts the reading frame from arginine 1911.
Molecular consequence: frameshift variant.
Genome position (GRCh38, 1-based): chr19:35,732,279, C deleted; the last of 6 consecutive C bases (chr19:35,732,274-35,732,279); deleting any one gives the same sequence. VCF-style (leftmost placement, unchanged base first): chr19-35732273-TC-T. GRCh37 (hg19) VCF-style: chr19-36223174-TC-T.
Other names: short protein forms R1911fs.
Identifiers: ClinVar variation 2069005 (VCV002069005.4), dbSNP rs2146467115, ClinGen allele CA645604592.

ClinVar aggregate classification (germline): Pathogenic (1 of 4 stars; one submission).

Submission:

Labcorp Genetics (formerly Invitae), Labcorp
Classification: Pathogenic. Last evaluated: 2022-01-03. Review status: criteria provided, single submitter. Criteria: Invitae Variant Classification Sherloc (09022015). Collection method: clinical testing. Allele origin: germline.
Comment: This sequence change creates a premature translational stop signal (p.Arg1911Aspfs*23) in the KMT2B gene. It is expected to result in an absent or disrupted protein product. Loss-of-function variants in KMT2B are known to be pathogenic (PMID: 27839873, 27992417). This variant is not present in population databases (gnomAD no frequency). This variant has not been reported in the literature in individuals affected with KMT2B-related conditions. For these reasons, this variant has been classified as Pathogenic.

Literature cited by the submitters: PubMed 27839873; PubMed 27992417.